The following is an entry in ClinVar:

ClinVar aggregate classification (germline): Pathogenic. Review status: criteria provided, single submitter (1 of 4 stars). 2 submissions from 1 submitter: Pathogenic (1). 1 of the submissions does not count toward it.

Conditions:
Wiskott-Aldrich syndrome (WAS). Also called: ALDRICH SYNDROME; IMMUNODEFICIENCY 2; Wiskott-aldrich syndrome, somatic; WISKOTT-ALDRICH SYNDROME 1. Identifiers: Orphanet 906, MedGen C0043194, MONDO:0010518, OMIM 301000.
Thrombocytopenia. Identifiers: MedGen C0040034, MeSH D013921, MONDO:0002049, HP:0001873.

Submissions (2):

ISTH-SSC Genomics in Thrombosis and Hemostasis, KU Leuven, Center for Molecular and Vascular Biology
Classification: Pathogenic for Thrombocytopenia. Review status: criteria provided, single submitter. Criteria: ACMG Guidelines, 2015. Collection method: clinical testing. Allele origin: germline. Affected: yes. Observed: 1 hemizygote.
Comment: Submitted to GoldVariant by Jose María Bastida and José Rivera; Grupo Español de Alteraciones Plaquetarias Congénitas (GEAPC)

ISTH-SSC Genomics in Thrombosis and Hemostasis, KU Leuven, Center for Molecular and Vascular Biology
Classification: Pathogenic for Wiskott-Aldrich syndrome. Review status: no assertion criteria provided. Collection method: research. Allele origin: germline. Affected: yes. Not counted in ClinVar's aggregate classification.
Comment: Submitted to GoldVariant by Jose María Bastida from Hospital Universitario Salamanca - IBSAL, Spain

Literature cited by the submitters: PubMed 27885891.

NM_000377.3(WAS):c.802del (p.Arg268fs)

Gene: WAS (WASP actin nucleation promoting factor; plus strand). Cytogenetic location: Xp11.23.
Variant type: Deletion.
Coding change: c.802del on transcript NM_000377.3 (MANE Select); coding-DNA position 802, one base deleted (C; older notation c.802delC).
Protein change: p.Arg268fs; shifts the reading frame from arginine 268.
Molecular consequence: frameshift variant.
Genome position (GRCh38, 1-based): chrX:48,688,324, C deleted. VCF-style (leftmost placement, unchanged base first): chrX-48688323-GC-G. GRCh37 (hg19) VCF-style: chrX-48546712-GC-G.
Other names: c.802delC (NM_000377.3); short protein forms R268fs.
Identifiers: ClinVar variation 1684406 (VCV001684406.3), dbSNP rs2147265894, ClinGen allele CA2573158940.
Genomic context (GRCh38, chrX:48,688,323, plus strand): 5'-CTCTACTCCTGCCCCTGGCCTTTTTCCTCCTGGGCAGGTGAACAACCTCGACCCAGATCT[GC>G]GGAGTCTGTTCTCCAGGGCAGGAATCAGCGAGGCCCAGCTCACCGACGCCGAGACCTCTA-3'